The following is an entry in ClinVar:

ClinVar aggregate classification (germline): Pathogenic. Review status: criteria provided, single submitter (1 of 4 stars). 2 submissions from 2 submitters: Pathogenic (1). 1 of the submissions does not count toward it. Last evaluated 2023-01-06.

Conditions:
Congenital anomalies of kidney and urinary tract syndrome with or without hearing loss, abnormal ears, or developmental delay. Also called: Congenital Anomalies of the Kidney and Urinary Tract syndrome with or without Hearing Loss, Abnormal Ears, or Developmental Delay. Identifiers: Orphanet 656130, MedGen C4539968, MONDO:0060549, OMIM 617641.

Submissions (2):

GeneDx
Classification: Pathogenic. Last evaluated: 2023-01-06. Review status: criteria provided, single submitter. Criteria: GeneDx Variant Classification Process June 2021. Collection method: clinical testing. Allele origin: germline. Affected: yes.
Comment: Published functional studies suggested R235Q plays a dominant negative role and interacts with wild type PBX1 in target gene transactivation (Slavotinek et al., 2017); In silico analysis supports that this missense variant has a deleterious effect on protein structure/function; In addition, in silico analysis supports a deleterious effect on splicing; Not observed at significant frequency in large population cohorts (gnomAD); This variant is associated with the following publications: (PMID: 29036646, 28135719, 31058389, 31302614, 31785789)

OMIM
Classification: Pathogenic for CONGENITAL ANOMALIES OF KIDNEY AND URINARY TRACT SYNDROME WITHOUT HEARING LOSS, WITH OR WITHOUT ABNORMAL EARS OR DEVELOPMENTAL DELAY. Last evaluated: 2018-04-26. Review status: no assertion criteria provided. Collection method: literature only. Allele origin: germline. Not counted in ClinVar's aggregate classification.

Literature cited by the submitters: PubMed 29036646 (cited by OMIM).

NM_002585.4(PBX1):c.704G>A (p.Arg235Gln)

Gene: PBX1 (PBX homeobox 1; plus strand). Cytogenetic location: 1q23.3.
Variant type: single nucleotide variant.
Coding change: c.704G>A on transcript NM_002585.4 (MANE Select); coding-DNA position 704, G replaced by A.
Protein change: p.Arg235Gln; replaces arginine 235 with glutamine.
Molecular consequence: missense variant.
Genome position (GRCh38, 1-based): chr1:164,807,544, G>A. VCF-style: chr1-164807544-G-A. GRCh37 (hg19) VCF-style: chr1-164776781-G-A.
Other names: c.704G>A, p.Arg235Gln (NM_001204961.2, NM_001204963.2, NM_001353131.2); c.455G>A, p.Arg152Gln (NM_001353130.1); short protein forms R235Q, R152Q.
Identifiers: ClinVar variation 523090 (VCV000523090.4), dbSNP rs1553249136, ClinGen allele CA343471135.